The following is an entry in ClinVar:

ClinVar aggregate classification (germline): Uncertain significance (1 of 4 stars; one submission).

Conditions:
Mendelian susceptibility to mycobacterial diseases due to complete IL12B deficiency. Also called: IL12B DEFICIENCY; Immunodeficiency 29. Identifiers: Orphanet 319558, MedGen C4013948, MONDO:0013954, OMIM 614890.

Allele frequency attached by ClinVar (database versions not stated): gnomAD 0.00001; gnomAD exomes 0.00001; TOPMed 0.00001; ExAC 0.00002.
gnomAD v4.1: 16 of 1,612,340 alleles (0.00099%); highest among the groups gnomAD compares: South Asian, 0.012%; no homozygotes.

Submission:

Labcorp Genetics (formerly Invitae), Labcorp
Classification: Uncertain significance for Mendelian susceptibility to mycobacterial diseases due to complete IL12B deficiency. Last evaluated: 2023-07-14. Review status: criteria provided, single submitter. Criteria: Invitae Variant Classification Sherloc (09022015). Collection method: clinical testing. Allele origin: germline.
Comment: ClinVar contains an entry for this variant (Variation ID: 642333). This variant has not been reported in the literature in individuals affected with IL12B-related conditions. This variant is present in population databases (rs762144588, gnomAD 0.003%). This sequence change replaces tryptophan, which is neutral and slightly polar, with arginine, which is basic and polar, at codon 24 of the IL12B protein (p.Trp24Arg). Advanced modeling of protein sequence and biophysical properties (such as structural, functional, and spatial information, amino acid conservation, physicochemical variation, residue mobility, and thermodynamic stability) performed at Invitae indicates that this missense variant is expected to disrupt IL12B protein function. In summary, the available evidence is currently insufficient to determine the role of this variant in disease. Therefore, it has been classified as a Variant of Uncertain Significance.

NM_002187.3(IL12B):c.70T>C (p.Trp24Arg)

Gene: IL12B (interleukin 12B; minus strand). Cytogenetic location: 5q33.3.
Variant type: single nucleotide variant.
Coding change: c.70T>C on transcript NM_002187.3 (MANE Select); coding-DNA position 70, T replaced by C.
Protein change: p.Trp24Arg; replaces tryptophan 24 with arginine.
Molecular consequence: missense variant.
Genome position (GRCh38, 1-based): chr5:159,326,713, A>G on the plus strand (T>C on the coding strand, the complement: IL12B is on the minus strand). VCF-style: chr5-159326713-A-G. GRCh37 (hg19) VCF-style: chr5-158753721-A-G.
Other names: short protein forms W24R.
Identifiers: ClinVar variation 642333 (VCV000642333.8), dbSNP rs762144588, ClinGen allele CA3538896.
Genomic context (GRCh38, chr5:159,326,713, plus strand): 5'-TAGAAGTGGGGCCTCCACAGAGAATAATGAGAGGCTGGTTACCATCTTTCTTCAGTTCCC[A>G]TATGGCCACGAGGGGAGATGCCAGAAAAACCAGGGAAAACCAAGAGATGACCAACTGCTG-3'
Protein context (NP_002178.2, residues 14-34): VFLASPLVAI[Trp24Arg]ELKKDVYVVE